The following is an entry in ClinVar:

ClinVar aggregate classification (germline): Conflicting classifications of pathogenicity. Review status: criteria provided, conflicting classifications (1 of 4 stars). 4 submissions from 4 submitters: Uncertain significance (2); Likely benign (2). Last evaluated 2026-02-03.

Conditions:
Hypertrophic cardiomyopathy 15. Identifiers: MedGen C2750459, MONDO:0013200, OMIM 613255.
Dilated cardiomyopathy 1W (CMD1W). Identifiers: Orphanet 154, MedGen C1969639, MONDO:0012667, OMIM 611407.
Cardiovascular phenotype. Identifiers: MedGen CN230736.

Submissions (4):

Labcorp Genetics (formerly Invitae), Labcorp
Classification: Likely benign for Dilated cardiomyopathy 1W. Last evaluated: 2026-02-03. Review status: criteria provided, single submitter. Criteria: Invitae Variant Classification Sherloc (09022015). Collection method: clinical testing. Allele origin: germline.

GeneDx
Classification: Uncertain significance. Last evaluated: 2022-06-30. Review status: criteria provided, single submitter. Criteria: GeneDx Variant Classification Process June 2021. Collection method: clinical testing. Allele origin: germline. Affected: yes.
Comment: Has not been previously published as pathogenic or benign to our knowledge; In silico analysis supports that this variant does not alter protein structure/function

Ambry Genetics
Classification: Likely benign for Cardiovascular phenotype. Last evaluated: 2022-05-05. Review status: criteria provided, single submitter. Criteria: Ambry Variant Classification Scheme 2023. Collection method: clinical testing. Allele origin: germline.

Fulgent Genetics
Classification: Uncertain significance for Dilated cardiomyopathy 1W; Hypertrophic cardiomyopathy 15. Last evaluated: 2021-08-13. Review status: criteria provided, single submitter. Criteria: ACMG Guidelines, 2015. Collection method: clinical testing. Allele origin: unknown.

NM_014000.3(VCL):c.1296_1297inv (p.Arg433Cys)

Gene: VCL (vinculin; plus strand). Cytogenetic location: 10q22.2.
Variant type: Inversion.
Coding change: c.1296_1297inv on transcript NM_014000.3 (MANE Select).
Protein change: p.Arg433Cys; replaces arginine 433 with cysteine.
Molecular consequence: missense variant.
Genome position: GRCh38 VCF-style: chr10-74090142-AC-GT. GRCh37 (hg19) VCF-style: chr10-75849900-AC-GT.
Other names: c.1296_1297delACinsGT (NM_014000.2); c.1296_1297inv, p.Arg433Cys (NM_003373.4); c.1296_1297delinsGT (NM_014000.3); short protein forms R433C.
Identifiers: ClinVar variation 468805 (VCV000468805.16), ClinGen allele CA658657966.